The following is an entry in ClinVar:

ClinVar aggregate classification (germline): Likely benign (1 of 4 stars; one submission).

Submission:

CeGaT Center for Human Genetics Tuebingen
Classification: Likely benign. Last evaluated: 2024-06-01. Review status: criteria provided, single submitter. Criteria: CeGaT Center For Human Genetics Tuebingen Variant Classification Criteria Version 2. Collection method: clinical testing. Allele origin: germline. Affected: yes. Observed: 1 variant allele.
Comment: MATR3: PM2:Supporting, BP4, BP7

NM_018834.6(MATR3):c.2430T>C (p.Tyr810=)

Gene: MATR3 (matrin 3; plus strand). Cytogenetic location: 5q31.2.
Variant type: single nucleotide variant.
Coding change: c.2430T>C on transcript NM_018834.6 (MANE Select); coding-DNA position 2430, T replaced by C.
Protein change: p.Tyr810=; no amino-acid change (tyrosine 810 retained).
Molecular consequence: synonymous variant.
Genome position (GRCh38, 1-based): chr5:139,326,221, T>C. VCF-style: chr5-139326221-T-C. GRCh37 (hg19) VCF-style: chr5-138661910-T-C.
Other names: c.2430T>C, p.Tyr810= (NM_001194954.2, NM_001194955.2, NM_001400447.1 and 11 more transcripts); c.1566T>C, p.Tyr522= (NM_001194956.2); c.1416T>C, p.Tyr472= (NM_001282278.2, NM_001400462.1, NM_001400463.1 and 4 more transcripts); c.2574T>C, p.Tyr858= (NM_001400441.1, NM_001400442.1, NM_001400443.1 and 2 more transcripts); c.1569T>C, p.Tyr523= (NM_001400459.1); c.1560T>C, p.Tyr520= (NM_001400460.1); c.1530T>C, p.Tyr510= (NM_001400461.1).
Identifiers: ClinVar variation 3251064 (VCV003251064.18), dbSNP rs2546888241.
Genomic context (GRCh38, chr5:139,326,221, plus strand): 5'-AGGTATAGACTATGTGATACCTAAAACAGGGTTTTACTGTAAGCTGTGTTCACTCTTTTA[T>C]ACAAATGAAGAAGTTGCAAAGAATACTCATTGCAGCAGCCTTCCTCATTATCAGAAATTA-3'
Protein context (NP_061322.2, residues 800-820): GFYCKLCSLF[Tyr810=]TNEEVAKNTH